The following is an entry in ClinVar:

NM_001277115.2(DNAH11):c.7734G>T (p.Met2578Ile)

Gene: DNAH11 (dynein axonemal heavy chain 11; plus strand). Cytogenetic location: 7p15.3.
Variant type: single nucleotide variant.
Coding change: c.7734G>T on transcript NM_001277115.2 (MANE Select); coding-DNA position 7734, G replaced by T.
Protein change: p.Met2578Ile; replaces methionine 2578 with isoleucine.
Molecular consequence: missense variant.
Genome position (GRCh38, 1-based): chr7:21,738,789, G>T. VCF-style: chr7-21738789-G-T. GRCh37 (hg19) VCF-style: chr7-21778407-G-T.
Other names: short protein forms M2578I.
Identifiers: ClinVar variation 3503068 (VCV003503068.1).

ClinVar aggregate classification (germline): Uncertain significance (1 of 4 stars; one submission).

Conditions:
Primary ciliary dyskinesia. Also called: Ciliary dyskinesia. Identifiers: Orphanet 244, MedGen C0008780, MONDO:0016575, HP:0012265.

gnomAD v4.1: 1 of 1,600,262 alleles (0.000062%); highest among the groups gnomAD compares: Admixed American, 0.0017%; no homozygotes.

Submission:

Ambry Genetics
Classification: Uncertain significance for Primary ciliary dyskinesia. Last evaluated: 2024-09-20. Review status: criteria provided, single submitter. Criteria: Ambry Variant Classification Scheme 2023. Collection method: clinical testing. Allele origin: germline.
Comment: The p.M2578I variant (also known as c.7734G>T), located in coding exon 47 of the DNAH11 gene, results from a G to T substitution at nucleotide position 7734. The methionine at codon 2578 is replaced by isoleucine, an amino acid with highly similar properties. This amino acid position is conserved. In addition, this alteration is predicted to be tolerated by in silico analysis. Based on the available evidence, the clinical significance of this variant remains unclear.